The following is an entry in ClinVar:

ClinVar aggregate classification (germline): Likely benign (0 of 4 stars; one submission).

Conditions:
Breast-ovarian cancer, familial, susceptibility to, 2 (BROVCA2). Also called: BRCA2 Hereditary Breast and Ovarian Cancer. Identifiers: Orphanet 145, MedGen C2675520, MONDO:0012933, OMIM 612555. Disease mechanism: loss of function.

Submission:

Department of Medical and Surgical Sciences, University of Bologna
Classification: Likely benign for Breast-ovarian cancer, familial, susceptibility to, 2. Last evaluated: 2023-09-01. Review status: no assertion criteria provided. Collection method: clinical testing. Allele origin: germline. Affected: yes.
Comment: BP1(Strong) according to ACMG/AMP classification guidelines specified for BRCA1 & BRCA2 (Classification Criteria V1.0.0 2023-09-08) (PMID: 38160042)

NM_000059.4(BRCA2):c.5543G>C (p.Ser1848Thr)

Gene: BRCA2 (BRCA2 DNA repair associated; plus strand). Cytogenetic location: 13q13.1.
Variant type: single nucleotide variant.
Coding change: c.5543G>C on transcript NM_000059.4 (MANE Select); coding-DNA position 5543, G replaced by C.
Protein change: p.Ser1848Thr; replaces serine 1848 with threonine.
Molecular consequence: missense variant. On other transcripts: non-coding transcript variant (1), intron variant (2).
Genome position (GRCh38, 1-based): chr13:32,339,898, G>C. VCF-style: chr13-32339898-G-C. GRCh37 (hg19) VCF-style: chr13-32914035-G-C.
Other names: c.5543G>C, p.Ser1848Thr (NM_001406719.1, NM_001406720.1); c.1910-4660G>C (NM_001406721.1); c.425-4660G>C (NM_001406722.1); short protein forms S1848T.
Identifiers: ClinVar variation 2683821 (VCV002683821.1), dbSNP rs2137518436, ClinGen allele CA387785940.
Genomic context (GRCh38, chr13:32,339,898, plus strand): 5'-AATTGTCCATATCTAATAGTAATAATTTTGAGGTAGGGCCACCTGCATTTAGGATAGCCA[G>C]TGGTAAAATCGTTTGTGTTTCACATGAAACAATTAAAAAAGTGAAAGACATATTTACAGA-3'
Protein context (NP_000050.3, residues 1838-1858): EVGPPAFRIA[Ser1848Thr]GKIVCVSHET